The following is an entry in ClinVar:

ClinVar aggregate classification (germline): Conflicting classifications of pathogenicity. Review status: criteria provided, conflicting classifications (1 of 4 stars). 9 submissions from 9 submitters: Uncertain significance (1); Likely benign (5). 3 of the submissions do not count toward it. Last evaluated 2025-12-13.

Conditions:
BRCA2-related disorder. Also called: BRCA2-related condition; BRCA2-related disorders. Identifiers: MedGen CN239275.
Hereditary cancer-predisposing syndrome. Also called: Tumor predisposition; Neoplastic Syndromes, Hereditary; Hereditary neoplastic syndrome; Hereditary Cancer Syndrome. Identifiers: Orphanet 140162, MedGen C0027672, MeSH D009386, MONDO:0015356.
Hereditary breast ovarian cancer syndrome. Also called: Hereditary breast and ovarian cancer; Hereditary breast and ovarian cancer syndrome (HBOC); Hereditary breast and/or ovarian cancer syndrome; Breast and ovarian cancer; Hereditary breast and ovarian cancer syndrome; BRCA1- and BRCA2-Associated Hereditary Breast and Ovarian Cancer. Identifiers: Orphanet 145, MedGen C0677776, MeSH D061325, MONDO:0003582. Disease mechanism: loss of function.
Breast-ovarian cancer, familial, susceptibility to, 2 (BROVCA2). Also called: BRCA2 Hereditary Breast and Ovarian Cancer. Identifiers: Orphanet 145, MedGen C2675520, MONDO:0012933, OMIM 612555. Disease mechanism: loss of function.
Malignant tumor of breast. Also called: Malignant breast neoplasm; Cancer breast. Identifiers: MedGen C0006142, MONDO:0007254. Disease mechanism: loss of function.

Allele frequency attached by ClinVar (database versions not stated): TOPMed 0.00001; ESP Exome Variant Server 0.00008.
gnomAD v4.1: 4 of 1,613,062 alleles (0.00025%); highest among the groups gnomAD compares: Non-Finnish European, 0.00034%; no homozygotes.

Submissions (9):

Labcorp Genetics (formerly Invitae), Labcorp
Classification: Likely benign for Hereditary breast ovarian cancer syndrome. Last evaluated: 2025-12-13. Review status: criteria provided, single submitter. Criteria: Invitae Variant Classification Sherloc (09022015). Collection method: clinical testing. Allele origin: germline.

Quest Diagnostics Nichols Institute San Juan Capistrano
Classification: Likely benign. Last evaluated: 2025-10-02. Review status: criteria provided, single submitter. Criteria: Quest Diagnostics criteria. Collection method: clinical testing. Allele origin: unknown.

Women's Health and Genetics/Laboratory Corporation of America, LabCorp
Classification: Uncertain significance. Last evaluated: 2020-12-18. Review status: criteria provided, single submitter. Criteria: LabCorp Variant Classification Summary - May 2015. Collection method: clinical testing. Allele origin: germline.
Comment: Variant summary: BRCA2 c.476-3C>T alters a conserved nucleotide located close to a canonical splice site and therefore could affect mRNA splicing, leading to a significantly altered protein sequence. 4/4 computational tools predict no significant impact on normal splicing. However, these predictions have yet to be confirmed by functional studies. The variant was absent in 251060 control chromosomes. The available data on variant occurrences in the general population are insufficient to allow any conclusion about variant significance. To our knowledge, no occurrence of c.476-3C>T in individuals affected with Hereditary Breast And Ovarian Cancer Syndrome and no experimental evidence demonstrating its impact on protein function have been reported. Four clinical diagnostic laboratories have submitted clinical-significance assessments for this variant to ClinVar after 2014 without evidence for independent evaluation (likely benign, n=3, VUS, n=1). Based on the evidence outlined above, the variant was classified as VUS-possibly benign.

Ambry Genetics
Classification: Likely benign for Hereditary cancer-predisposing syndrome. Last evaluated: 2019-05-17. Review status: criteria provided, single submitter. Criteria: Ambry Variant Classification Scheme 2023. Collection method: clinical testing. Allele origin: germline.

GeneDx
Classification: Likely benign. Last evaluated: 2019-04-08. Review status: criteria provided, single submitter. Criteria: GeneDx Variant Classification Process June 2021. Collection method: clinical testing. Allele origin: germline. Affected: yes.

Color Diagnostics, LLC DBA Color Health
Classification: Likely benign for Hereditary cancer-predisposing syndrome. Last evaluated: 2018-01-01. Review status: criteria provided, single submitter. Criteria: ACMG Guidelines, 2015. Collection method: clinical testing. Allele origin: germline.

PreventionGenetics, part of Exact Sciences
Classification: Likely benign for BRCA2-related condition. Last evaluated: 2023-01-12. Review status: no assertion criteria provided. Collection method: clinical testing. Allele origin: germline. Not counted in ClinVar's aggregate classification.
Comment: This variant is classified as likely benign based on ACMG/AMP sequence variant interpretation guidelines (Richards et al. 2015 PMID: 25741868, with internal and published modifications).

Sharing Clinical Reports Project (SCRP)
Classification: Uncertain significance for Breast-ovarian cancer, familial 2. Last evaluated: 2011-12-02. Review status: no assertion criteria provided. Collection method: clinical testing. Allele origin: germline. Not counted in ClinVar's aggregate classification.

Department of Pathology and Laboratory Medicine, Sinai Health System
Classification: Uncertain significance for Malignant tumor of breast. Review status: no assertion criteria provided. Collection method: clinical testing. Allele origin: unknown. Affected: yes. Study: The Canadian Open Genetics Repository (COGR). Not counted in ClinVar's aggregate classification.
Comment: The BRCA2 c.476-3C>T variant was not identified in the literature and the UMD-LSDB database. The variant was identified in dbSNP (rs371431745) as â€šÃ„Ãºwith pathogenic, uncertain significance alleleâ€šÃ„Ã¹, ClinVar (interpreted as "uncertain significance" by Invitae and 2 others and "likely benign" by Ambry Genetics) and LOVD-3.0 (observed 3x). The variant was identified in control databases in 1 of 30,714 chromosomes at a frequency of 0.00003 (Genome Aggregation Database Feb 27, 2017). The variant was observed in the following populations: European in 1 of 14,884 chromosomes (freq: 0.00007). The variant was not observed in the African, Other, Latino. Ashkenazi Jewish. East Asian, Finnish and South Asian populations. The c.476-3C>T variant is located in the 3' splice region but does not affect the invariant -1 and -2 positions. However, positions -3 and -5 to -12 are part of the splicing consensus sequence and variants involving these positions sometimes affect splicing. In addition, in silico or computational prediction software programs (SpliceSiteFinder, MaxEntScan, NNSPLICE, GeneSplicer, HumanSpliceFinder) do not predict a difference in splicing. However, a variant at the same splice site (c.476-3C>A) was demonstrated to cause aberrant splicing and was classified as pathogenic (Fraile-Bathencourt 2019). In summary, based on the above information, the clinical significance of this variant cannot be determined with certainty at this time. This is classified as a variant of uncertain significance.

Literature cited by the submitters: PubMed 27062684 (cited by Quest Diagnostics Nichols Institute San Juan Capistrano and Ambry Genetics); PubMed 30630526 (cited by Quest Diagnostics Nichols Institute San Juan Capistrano and Ambry Genetics); PubMed 31131967 (cited by Quest Diagnostics Nichols Institute San Juan Capistrano); PubMed 38098088 (cited by Quest Diagnostics Nichols Institute San Juan Capistrano); PubMed 31853058 (cited by Quest Diagnostics Nichols Institute San Juan Capistrano).

NM_000059.4(BRCA2):c.476-3C>T

Gene: BRCA2 (BRCA2 DNA repair associated; plus strand). Cytogenetic location: 13q13.1.
Variant type: single nucleotide variant.
Coding change: c.476-3C>T on transcript NM_000059.4 (MANE Select); 3 bases into the intron before coding-DNA position 476, C replaced by T.
Molecular consequence: intron variant.
Genome position (GRCh38, 1-based): chr13:32,326,239, C>T. VCF-style: chr13-32326239-C-T. GRCh37 (hg19) VCF-style: chr13-32900376-C-T.
Other names: IVS5-3C>T.
Identifiers: ClinVar variation 37925 (VCV000037925.25), dbSNP rs371431745, ClinGen allele CA020799.
Genomic context (GRCh38, chr13:32,326,239, plus strand): 5'-TTAGAATACTAGAAATGTTAATAAAAATAAAACTTAACAATTTTCCCCTTTTTTTACCCC[C>T]AGTGGTATGTGGGAGTTTGTTTCATACACCAAAGTTTGTGAAGGTAAATATTCTACCTGG-3'